The following is an entry in ClinVar:

ClinVar aggregate classification (germline): Likely benign. Review status: criteria provided, multiple submitters, no conflicts (2 of 4 stars). 2 submissions from 2 submitters: Likely benign (2). Last evaluated 2020-03-08.

Conditions:
Dilated cardiomyopathy 1W (CMD1W). Identifiers: Orphanet 154, MedGen C1969639, MONDO:0012667, OMIM 611407.

Allele frequency attached by ClinVar (database versions not stated): gnomAD exomes below 0.00001; ExAC 0.00001.
gnomAD v4.1: 1 of 1,613,798 alleles (0.000062%); highest among the groups gnomAD compares: South Asian, 0.0011%; no homozygotes.

Submissions (2):

Labcorp Genetics (formerly Invitae), Labcorp
Classification: Likely benign for Dilated cardiomyopathy 1W. Last evaluated: 2020-03-08. Review status: criteria provided, single submitter. Criteria: Invitae Variant Classification Sherloc (09022015). Collection method: clinical testing. Allele origin: germline.

Laboratory for Molecular Medicine, Mass General Brigham Personalized Medicine
Classification: Likely benign. Last evaluated: 2015-06-10. Review status: criteria provided, single submitter. Criteria: LMM Criteria. Collection method: clinical testing. Allele origin: germline. Observed: 1 variant allele.
Comment: c.874+9C>G in intron 7 of VCL: This variant is not expected to have clinical sig nificance because it is not located within the splice consensus sequence. It has been identified in 1/16342 South Asian chromosomes by the Exome Aggregation Con sortium (ExAC; dbSNP rs756064535).

NM_014000.3(VCL):c.874+9C>G

Gene: VCL (vinculin; plus strand). Cytogenetic location: 10q22.2.
Variant type: single nucleotide variant.
Coding change: c.874+9C>G on transcript NM_014000.3 (MANE Select); 9 bases into the intron after coding-DNA position 874, C replaced by G.
Molecular consequence: intron variant.
Genome position (GRCh38, 1-based): chr10:74,082,553, C>G. VCF-style: chr10-74082553-C-G. GRCh37 (hg19) VCF-style: chr10-75842311-C-G.
Other names: c.874+9C>G (NM_003373.4).
Identifiers: ClinVar variation 228231 (VCV000228231.13), dbSNP rs756064535, ClinGen allele CA5562877.